The following is an entry in ClinVar:

ClinVar aggregate classification (germline): Conflicting classifications of pathogenicity. Review status: criteria provided, conflicting classifications (1 of 4 stars). 10 submissions from 10 submitters: Uncertain significance (6); Likely benign (2). 2 of the submissions do not count toward it. Last evaluated 2026-01-30.

Conditions:
EGFR-related disorder. Also called: EGFR-related condition.
Inflammatory skin and bowel disease, neonatal, 2 (NNCIS). Identifiers: Orphanet 294023, MedGen C4015130, MONDO:0014481, OMIM 616069.
Lung cancer. Also called: Lung cancer, somatic; Malignant tumor of lung. Identifiers: MedGen C0242379, MONDO:0008903, OMIM 211980.
Hereditary cancer. Identifiers: MedGen C1333600.
Hereditary cancer-predisposing syndrome. Also called: Tumor predisposition; Hereditary neoplastic syndrome; Neoplastic Syndromes, Hereditary; Hereditary Cancer Syndrome. Identifiers: Orphanet 140162, MedGen C0027672, MeSH D009386, MONDO:0015356.
EGFR-related lung cancer (EGFR). Identifiers: MedGen CN130014.

Allele frequency attached by ClinVar (database versions not stated): gnomAD exomes 0.00021 and 0.00027; ExAC 0.00022; TOPMed 0.00022; gnomAD 0.00023 and 0.00025; ESP Exome Variant Server 0.00054.
gnomAD v4.1: 420 of 1,612,778 alleles (0.026%); highest among the groups gnomAD compares: Admixed American, 0.053%; 1 homozygote.

Submissions (10):

Labcorp Genetics (formerly Invitae), Labcorp
Classification: Uncertain significance for EGFR-related lung cancer. Last evaluated: 2026-01-30. Review status: criteria provided, single submitter. Criteria: Invitae Variant Classification Sherloc (09022015). Collection method: clinical testing. Allele origin: germline.
Comment: This sequence change replaces arginine, which is basic and polar, with glutamine, which is neutral and polar, at codon 675 of the EGFR protein (p.Arg675Gln). This variant is present in population databases (rs150423237, gnomAD 0.04%). This variant has not been reported in the literature in individuals affected with EGFR-related conditions. ClinVar contains an entry for this variant (Variation ID: 134025). Invitae Evidence Modeling of protein sequence and biophysical properties (such as structural, functional, and spatial information, amino acid conservation, physicochemical variation, residue mobility, and thermodynamic stability) indicates that this missense variant is not expected to disrupt EGFR protein function with a negative predictive value of 80%. In summary, the available evidence is currently insufficient to determine the role of this variant in disease. Therefore, it has been classified as a Variant of Uncertain Significance.

Ambry Genetics
Classification: Likely benign for Hereditary cancer-predisposing syndrome. Last evaluated: 2024-08-23. Review status: criteria provided, single submitter. Criteria: Ambry Variant Classification Scheme 2023. Collection method: clinical testing. Allele origin: germline.

Fulgent Genetics
Classification: Uncertain significance for Lung cancer; Inflammatory skin and bowel disease, neonatal, 2. Last evaluated: 2024-06-13. Review status: criteria provided, single submitter. Criteria: ACMG Guidelines, 2015. Collection method: clinical testing. Allele origin: germline.

Mendelics
Classification: Likely benign for Hereditary cancer. Last evaluated: 2024-04-09. Review status: criteria provided, single submitter. Criteria: ACMG Guidelines, 2015. Collection method: clinical testing. Allele origin: unknown.

Revvity Omics, Revvity
Classification: Uncertain significance. Last evaluated: 2023-11-15. Review status: criteria provided, single submitter. Criteria: ACMG Guidelines, 2015. Collection method: clinical testing. Allele origin: germline.

CeGaT Center for Human Genetics Tuebingen
Classification: Uncertain significance. Last evaluated: 2022-01-01. Review status: criteria provided, single submitter. Criteria: CeGaT Center For Human Genetics Tuebingen Variant Classification Criteria Version 2. Collection method: clinical testing. Allele origin: germline. Affected: yes. Observed: 1 variant allele.

Sema4
Classification: Uncertain significance for Hereditary cancer-predisposing syndrome. Last evaluated: 2021-11-19. Review status: criteria provided, single submitter. Criteria: Sema4 Curation Guidelines. Collection method: curation. Allele origin: germline.
Comment: The EGFR c.2024G>A (p.R675Q) missense variant has been reported in 1 individual with central nervous system tumor (PMID: 33326033), and in an ancestrally diverse healthy cohort (PMID 24728327). This variant was observed in 13/35434 chromosomes in the Latino population according to the Genome Aggregation Database (PMID: 32461654). This variant has been reported in ClinVar (Variation ID 134025). Functional studies have not been performed, and in silico predictions of the variant's effect on protein function are inconclusive. The overall evidence is insufficient to meet ACMG/AMP criteria for classifying it as benign or pathogenic. In summary, the clinical significance of this variant is currently uncertain.

Breakthrough Genomics
Classification: Uncertain significance. Review status: criteria provided, single submitter. Criteria: ACMG Guidelines, 2015. Collection method: not provided. Allele origin: germline. Inheritance: Autosomal recessive inheritance. Affected: yes.

PreventionGenetics, part of Exact Sciences
Classification: Uncertain significance for EGFR-related condition. Last evaluated: 2024-02-06. Review status: no assertion criteria provided. Collection method: clinical testing. Allele origin: germline. Not counted in ClinVar's aggregate classification.
Comment: The EGFR c.2024G>A variant is predicted to result in the amino acid substitution p.Arg675Gln. This variant has been reported as a germline variant in individuals with central nervous system tumors and breast cancer (Table S5, Akhavanfard et al. 2021. PubMed ID: 33326033; Table S3, Guindalini et al. 2022. PubMed ID: 352645960) and as a somatic variant in a patient with non-small cell lung cancer (Table 2, Stein et al. 2017. PubMed ID: 28573640). This variant is reported in 0.037% of alleles in individuals of Latino descent in gnomAD. At this time, the clinical significance of this variant is uncertain due to the absence of conclusive functional and genetic evidence.

ITMI
No classification provided. Condition: AllHighlyPenetrant. Last evaluated: 2013-09-19. Review status: no classification provided. Collection method: reference population. Allele origin: germline. Not counted in ClinVar's aggregate classification.
Comment: Please see associated publication for description of ethnicities

Literature cited by the submitters: PubMed 33326033 (cited by Sema4); PubMed 24728327 (cited by Sema4 and ITMI).

NM_005228.5(EGFR):c.2024G>A (p.Arg675Gln)

Gene: EGFR (epidermal growth factor receptor; plus strand). Cytogenetic location: 7p11.2.
Variant type: single nucleotide variant.
Coding change: c.2024G>A on transcript NM_005228.5 (MANE Select); coding-DNA position 2024, G replaced by A.
Protein change: p.Arg675Gln; replaces arginine 675 with glutamine.
Molecular consequence: missense variant.
Genome position (GRCh38, 1-based): chr7:55,173,087, G>A. VCF-style: chr7-55173087-G-A. GRCh37 (hg19) VCF-style: chr7-55240780-G-A.
Other names: c.1889G>A, p.Arg630Gln (NM_001346897.2, NM_001346899.2); c.2024G>A, p.Arg675Gln (NM_001346898.2); c.1865G>A, p.Arg622Gln (NM_001346900.2); c.1223G>A, p.Arg408Gln (NM_001346941.2); c.2024G>A (NM_005228.4); short protein forms R675Q, R622Q, R408Q, R630Q.
Identifiers: ClinVar variation 134025 (VCV000134025.49), dbSNP rs150423237, ClinGen allele CA158453.